The following is an entry in ClinVar:

NM_001042545.2(LTBP4):c.1849C>G (p.Arg617Gly)

Gene: LTBP4 (latent transforming growth factor beta binding protein 4; plus strand). Cytogenetic location: 19q13.2.
Variant type: single nucleotide variant.
Coding change: c.1849C>G on transcript NM_001042545.2 (MANE Select); coding-DNA position 1849, C replaced by G.
Protein change: p.Arg617Gly; replaces arginine 617 with glycine.
Molecular consequence: missense variant.
Genome position (GRCh38, 1-based): chr19:40,611,190, C>G. VCF-style: chr19-40611190-C-G. GRCh37 (hg19) VCF-style: chr19-41117096-C-G.
Other names: c.2050C>G, p.Arg684Gly (NM_001042544.1); c.1939C>G, p.Arg647Gly (NM_003573.2); short protein forms R617G, R647G, R684G.
Identifiers: ClinVar variation 4074392 (VCV004074392.2).
Genomic context (GRCh38, chr19:40,611,190, plus strand): 5'-CCGGGCCCCCTGCCCTGTGCAGATGTGGATGAATGCACCCAGAGCCCAGGCCTGTGTGGC[C>G]GAGGGGCCTGCAAGAACCTGCCTGGCTCTTTCCGCTGTGTTTGCCCGGCTGGCTTCCGGG-3'
Protein context (NP_001036010.1, residues 607-627): ECTQSPGLCG[Arg617Gly]GACKNLPGSF

ClinVar aggregate classification (germline): Uncertain significance (1 of 4 stars; one submission).

gnomAD v4.1: 15 of 1,613,320 alleles (0.00093%); highest among the groups gnomAD compares: Non-Finnish European, 0.0012%; no homozygotes.

Submission:

GeneDx
Classification: Uncertain significance. Last evaluated: 2026-08-29. Review status: criteria provided, single submitter. Criteria: GeneDx Variant Classification Process June 2021. Collection method: clinical testing. Allele origin: germline.
Comment: Not observed at significant frequency in large population cohorts (gnomAD); In silico analysis suggests that this missense variant does not alter protein structure/function; Has not been previously published as pathogenic or benign to our knowledge